The following is an entry in ClinVar:

NM_198129.4(LAMA3):c.5031del (p.Gly1678fs)

Gene: LAMA3 (laminin subunit alpha 3; plus strand). Cytogenetic location: 18q11.2.
Variant type: Deletion.
Coding change: c.5031del on transcript NM_198129.4 (MANE Select); coding-DNA position 5031, one base deleted (A; older notation c.5031delA).
Protein change: p.Gly1678fs; shifts the reading frame from glycine 1678.
Molecular consequence: frameshift variant.
Genome position (GRCh38, 1-based): chr18:23,876,326, A deleted; the last of 3 consecutive A bases (chr18:23,876,324-23,876,326); deleting any one gives the same sequence. VCF-style (leftmost placement, unchanged base first): chr18-23876323-TA-T. GRCh37 (hg19) VCF-style: chr18-21456287-TA-T.
Other names: c.204del, p.Gly69fs (NM_000227.6, NM_001127718.4); c.5031del, p.Gly1678fs (NM_001127717.4); short protein forms G69fs, G1678fs.
Identifiers: ClinVar variation 5004012 (VCV005004012.1).
Genomic context (GRCh38, chr18:23,876,323, plus strand): 5'-GTATTGATTAAACACTTTGTTTGAAAAATAGGGTTGTAGCCCTGGATACTATCGGGATCA[TA>T]AAGGCTTGTATACCGGACGGTGTGTTCCCTGCAATTGCAACGGACATTCAAATCAATGCC-3'

ClinVar aggregate classification (germline): Pathogenic (1 of 4 stars; one submission).

Conditions:
Junctional epidermolysis bullosa. Identifiers: Orphanet 305, MedGen C0079301, MONDO:0017612.

Submission:

Myriad Genetics, Inc.
Classification: Pathogenic for Junctional epidermolysis bullosa. Last evaluated: 2026-06-15. Review status: criteria provided, single submitter. Criteria: Myriad Autosomal Dominant, Autosomal Recessive and X-Linked Classification Criteria (2023). Collection method: clinical testing. Allele origin: unknown.
Comment: NM_000227.3(LAMA3):c.204delA(G69Afs*71) is a frameshift variant classified as pathogenic in the context of junctional epidermolysis bullosa, LAMA3-related. G69Afs*71 has not been observed in cases with relevant disease. Relevant functional assessments of this variant are not available in the literature. G69Afs*71 has not been observed in referenced population frequency databases. In summary, NM_000227.3(LAMA3):c.204delA(G69Afs*71) is a frameshift variant in a gene where loss of function is a known mechanism of disease and is predicted to disrupt protein function. Please note: this variant was assessed in the context of healthy population screening.